The following is an entry in ClinVar:

NM_000545.8(HNF1A):c.1295C>A (p.Ser432Tyr)

Gene: HNF1A (HNF1 homeobox A; plus strand). Cytogenetic location: 12q24.31.
Variant type: single nucleotide variant.
Coding change: c.1295C>A on transcript NM_000545.8 (MANE Select); coding-DNA position 1295, C replaced by A.
Protein change: p.Ser432Tyr; replaces serine 432 with tyrosine.
Molecular consequence: missense variant.
Genome position (GRCh38, 1-based): chr12:120,996,728, C>A. VCF-style: chr12-120996728-C-A. GRCh37 (hg19) VCF-style: chr12-121434531-C-A.
Other names: NM_001306179.2:c.1295C>A; c.1295C>A, p.Ser432Tyr (NM_001306179.2, NM_001406915.1); short protein forms S432Y.
Identifiers: ClinVar variation 2574168 (VCV002574168.1), dbSNP rs1224145094, ClinGen allele CA386969822.

ClinVar aggregate classification (germline): Uncertain significance (3 of 4 stars; one submission).

Conditions:
Monogenic diabetes. Identifiers: Orphanet 183625, MedGen C3888631, MONDO:0015967.

Submission:

ClinGen Monogenic Diabetes Variant Curation Expert Panel
Classification: Uncertain significance for Monogenic diabetes. Last evaluated: 2023-07-30. Review status: reviewed by expert panel. Criteria: ClinGen Diabetes ACMG Specifications HNF1A V2.0.0. Collection method: curation. Allele origin: germline. Inheritance: Autosomal dominant inheritance.
Comment: The c.1295C>A variant in the HNF1 homeobox A gene, HNF1A, causes an amino acid change of serine to tyrosine at codon 432 (p.(p.Ser432Tyr)) of NM_000545.8. This variant was identified in an individual with a clinical history highly specific for HNF1A-MODY (MODY probability calculator result >50%, negative genetic testing for HNF4A, antibody-negative, and sensitive to sulfonylureas) (PP4_Moderate; internal lab contributors). This variant is predicted to be deleterious by computational evidence, with a REVEL score of 0.887, which is greater than the MDEP VCEP threshold of 0.70 (PP3). This variant is absent in gnomAD v2.1.1 (PM2_Supporting). Two other missense variants, c.1295C>T p.Ser432Phe and c.1295C>G p.Ser432Cys, have been classified as VUS by the ClinGen MDEP; therefore, PM5 will not be applied. This variant segregated with diabetes with one informative meiosis in a single family; however, this does not meet the thresholds for PP1 set by the ClinGen MDEP (PMID: 27236918, internal lab contributors). In summary, c.1295C>A meets the criteria to be classified as a variant of uncertain significance for monogenic diabetes. ACMG/AMP criteria applied, as specified by the ClinGen MDEP (specification version 2.0.0, approved 1/11/2023): PP4_Moderate, PP3, PM2_Supporting.